The following is an entry in ClinVar:

NM_000179.3(MSH6):c.8G>T (p.Arg3Leu)

Gene: MSH6 (mutS homolog 6; plus strand). Cytogenetic location: 2p16.3.
Variant type: single nucleotide variant.
Coding change: c.8G>T on transcript NM_000179.3 (MANE Select); coding-DNA position 8, G replaced by T.
Protein change: p.Arg3Leu; replaces arginine 3 with leucine.
Molecular consequence: missense variant. On other transcripts: 5 prime UTR variant (1).
Genome position (GRCh38, 1-based): chr2:47,783,241, G>T. VCF-style: chr2-47783241-G-T. GRCh37 (hg19) VCF-style: chr2-48010380-G-T.
Other names: c.8G>T, p.Arg3Leu (NM_001281492.2); c.-729G>T (NM_001281493.2); short protein forms R3L.
Identifiers: ClinVar variation 1043007 (VCV001043007.9), dbSNP rs1553408078, ClinGen allele CA346734473.

ClinVar aggregate classification (germline): Uncertain significance (1 of 4 stars; one submission).

Conditions:
Hereditary nonpolyposis colorectal neoplasms. Identifiers: MedGen C0009405, MeSH D003123.

Submission:

Labcorp Genetics (formerly Invitae), Labcorp
Classification: Uncertain significance for Hereditary nonpolyposis colorectal neoplasms. Last evaluated: 2020-07-27. Review status: criteria provided, single submitter. Criteria: Invitae Variant Classification Sherloc (09022015). Collection method: clinical testing. Allele origin: germline.
Comment: This sequence change replaces arginine with leucine at codon 3 of the MSH6 protein (p.Arg3Leu). The arginine residue is weakly conserved and there is a moderate physicochemical difference between arginine and leucine. In summary, the available evidence is currently insufficient to determine the role of this variant in disease. Therefore, it has been classified as a Variant of Uncertain Significance. Algorithms developed to predict the effect of missense changes on protein structure and function are either unavailable or do not agree on the potential impact of this missense change (SIFT: "Deleterious"; PolyPhen-2: "Probably Damaging"; Align-GVGD: "Class C0"). This variant has not been reported in the literature in individuals with MSH6-related conditions. This variant is not present in population databases (ExAC no frequency).